The following is an entry in ClinVar:

ClinVar aggregate classification (germline): Uncertain significance. Review status: criteria provided, multiple submitters, no conflicts (2 of 4 stars). 2 submissions from 2 submitters: Uncertain significance (2). Last evaluated 2023-02-14.

Conditions:
Inborn genetic diseases. Identifiers: MedGen C0950123, MeSH D030342.

Allele frequency attached by ClinVar (database versions not stated): ExAC 0.00001.
gnomAD v4.1: 8 of 1,613,070 alleles (0.0005%); highest among the groups gnomAD compares: Non-Finnish European, 0.00068%; no homozygotes.

Submissions (2):

Ambry Genetics
Classification: Uncertain significance for Inborn genetic diseases. Last evaluated: 2023-02-14. Review status: criteria provided, single submitter. Criteria: Ambry Variant Classification Scheme 2023. Collection method: clinical testing. Allele origin: germline.

Labcorp Genetics (formerly Invitae), Labcorp
Classification: Uncertain significance. Last evaluated: 2021-02-02. Review status: criteria provided, single submitter. Criteria: Invitae Variant Classification Sherloc (09022015). Collection method: clinical testing. Allele origin: germline.
Comment: In summary, the available evidence is currently insufficient to determine the role of this variant in disease. Therefore, it has been classified as a Variant of Uncertain Significance. This sequence change replaces isoleucine with valine at codon 262 of the FERMT1 protein (p.Ile262Val). The isoleucine residue is highly conserved and there is a small physicochemical difference between isoleucine and valine. This variant is present in population databases (rs753458351, ExAC 0.002%). This variant has not been reported in the literature in individuals with FERMT1-related conditions. Algorithms developed to predict the effect of missense changes on protein structure and function (SIFT, PolyPhen-2, Align-GVGD) all suggest that this variant is likely to be tolerated, but these predictions have not been confirmed by published functional studies and their clinical significance is uncertain.

NM_017671.5(FERMT1):c.784A>G (p.Ile262Val)

Gene: FERMT1 (FERM domain containing kindlin 1; minus strand). Cytogenetic location: 20p12.3.
Variant type: single nucleotide variant.
Coding change: c.784A>G on transcript NM_017671.5 (MANE Select); coding-DNA position 784, A replaced by G.
Protein change: p.Ile262Val; replaces isoleucine 262 with valine.
Molecular consequence: missense variant.
Genome position (GRCh38, 1-based): chr20:6,107,597, T>C on the plus strand (A>G on the coding strand, the complement: FERMT1 is on the minus strand). VCF-style: chr20-6107597-T-C. GRCh37 (hg19) VCF-style: chr20-6088244-T-C.
Other names: c.784A>G (NM_017671.4); short protein forms I262V.
Identifiers: ClinVar variation 1439244 (VCV001439244.9), dbSNP rs753458351, ClinGen allele CA9758354.